The following is an entry in ClinVar:

ClinVar aggregate classification (germline): Uncertain significance (1 of 4 stars; one submission).

Submission:

GeneDx
Classification: Uncertain significance. Last evaluated: 2024-05-10. Review status: criteria provided, single submitter. Criteria: GeneDx Variant Classification Process June 2021. Collection method: clinical testing. Allele origin: germline. Affected: yes.
Comment: Not observed at significant frequency in large population cohorts (gnomAD); In silico analysis supports that this missense variant has a deleterious effect on protein structure/function; Has not been previously published as pathogenic or benign to our knowledge

NM_006859.4(LIAS):c.856G>C (p.Asp286His)

Gene: LIAS (lipoic acid synthetase; plus strand). Cytogenetic location: 4p14.
Variant type: single nucleotide variant.
Coding change: c.856G>C on transcript NM_006859.4 (MANE Select); coding-DNA position 856, G replaced by C.
Protein change: p.Asp286His; replaces aspartic acid 286 with histidine.
Molecular consequence: missense variant.
Genome position (GRCh38, 1-based): chr4:39,470,137, G>C. VCF-style: chr4-39470137-G-C. GRCh37 (hg19) VCF-style: chr4-39471757-G-C.
Other names: c.727G>C, p.Asp243His (NM_001278590.2); c.547G>C, p.Asp183His (NM_001363700.2); c.856G>C, p.Asp286His (NM_194451.3); short protein forms D183H, D243H, D286H.
Identifiers: ClinVar variation 3375618 (VCV003375618.1).